The following is an entry in ClinVar:

ClinVar aggregate classification (germline): Uncertain significance. Review status: criteria provided, multiple submitters, no conflicts (2 of 4 stars). 5 submissions from 4 submitters: Uncertain significance (5). Last evaluated 2026-03-19.

Conditions:
PHGDH deficiency. Identifiers: Orphanet 79351, MedGen C1866174, MONDO:0011152, OMIM 601815.
Neu-Laxova syndrome 1 (NLS1). Identifiers: Orphanet 2671, Orphanet 583607, MedGen C4551478, MONDO:0009736, OMIM 256520. Disease mechanism: loss of function.

Allele frequency attached by ClinVar (database versions not stated): gnomAD exomes below 0.00001 and 0.00001; TOPMed 0.00003.
gnomAD v4.1: 5 of 1,614,076 alleles (0.00031%); highest among the groups gnomAD compares: Admixed American, 0.0033%; no homozygotes.

Submissions (5):

GeneDx
Classification: Uncertain significance. Last evaluated: 2026-03-19. Review status: criteria provided, single submitter. Criteria: GeneDx Variant Classification Process June 2021. Collection method: clinical testing. Allele origin: germline.
Comment: Not observed at significant frequency in large population cohorts (gnomAD); In silico analysis suggests that this missense variant does not alter protein structure/function; Has not been previously published as pathogenic or benign to our knowledge

Genome-Nilou Lab
Classification: Uncertain significance for Neu-Laxova syndrome 1. Last evaluated: 2023-04-11. Review status: criteria provided, single submitter. Criteria: ACMG Guidelines, 2015. Collection method: clinical testing. Allele origin: germline. Affected: no.

Genome-Nilou Lab
Classification: Uncertain significance for PHGDH deficiency. Last evaluated: 2023-04-11. Review status: criteria provided, single submitter. Criteria: ACMG Guidelines, 2015. Collection method: clinical testing. Allele origin: germline. Affected: no.

Labcorp Genetics (formerly Invitae), Labcorp
Classification: Uncertain significance for PHGDH deficiency. Last evaluated: 2021-09-24. Review status: criteria provided, single submitter. Criteria: Invitae Variant Classification Sherloc (09022015). Collection method: clinical testing. Allele origin: germline.
Comment: This sequence change replaces valine with methionine at codon 72 of the PHGDH protein (p.Val72Met). The valine residue is weakly conserved and there is a small physicochemical difference between valine and methionine. This variant is not present in population databases (ExAC no frequency). This variant has not been reported in the literature in individuals with PHGDH-related conditions. Algorithms developed to predict the effect of missense changes on protein structure and function are either unavailable or do not agree on the potential impact of this missense change (SIFT: "Tolerated"; PolyPhen-2: "Probably Damaging"; Align-GVGD: "Class C0"). In summary, the available evidence is currently insufficient to determine the role of this variant in disease. Therefore, it has been classified as a Variant of Uncertain Significance.

Mayo Clinic Laboratories, Mayo Clinic
Classification: Uncertain significance. Last evaluated: 2020-12-29. Review status: criteria provided, single submitter. Criteria: ACMG Guidelines, 2015. Collection method: clinical testing. Allele origin: germline. Observed: 1 variant allele.

NM_006623.4(PHGDH):c.214G>A (p.Val72Met)

Gene: PHGDH (phosphoglycerate dehydrogenase; plus strand). Cytogenetic location: 1p12.
Variant type: single nucleotide variant.
Coding change: c.214G>A on transcript NM_006623.4 (MANE Select); coding-DNA position 214, G replaced by A.
Protein change: p.Val72Met; replaces valine 72 with methionine.
Molecular consequence: missense variant.
Genome position (GRCh38, 1-based): chr1:119,721,245, G>A. VCF-style: chr1-119721245-G-A. GRCh37 (hg19) VCF-style: chr1-120263868-G-A.
Other names: short protein forms V72M.
Identifiers: ClinVar variation 1163153 (VCV001163153.11), dbSNP rs958052810, ClinGen allele CA30246820.